The following is an entry in ClinVar:

NM_002470.4(MYH3):c.4647+6T>G

Gene: MYH3 (myosin heavy chain 3; minus strand). Cytogenetic location: 17p13.1.
Variant type: single nucleotide variant.
Coding change: c.4647+6T>G on transcript NM_002470.4 (MANE Select); 6 bases into the intron after coding-DNA position 4647, T replaced by G.
Molecular consequence: intron variant.
Genome position (GRCh38, 1-based): chr17:10,633,585, A>C on the plus strand (T>G on the coding strand, the complement: MYH3 is on the minus strand). VCF-style: chr17-10633585-A-C. GRCh37 (hg19) VCF-style: chr17-10536902-A-C.
Identifiers: ClinVar variation 258688 (VCV000258688.43), dbSNP rs375163919, ClinGen allele CA8392170.

ClinVar aggregate classification (germline): Benign/Likely benign. Review status: criteria provided, multiple submitters, no conflicts (2 of 4 stars). 7 submissions from 6 submitters: Benign (1); Likely benign (6). Last evaluated 2026-02-01.

Conditions:
Freeman-Sheldon syndrome (DA2A). Also called: CRANIOCARPOTARSAL DYSPLASIA; CRANIOCARPOTARSAL DYSTROPHY; WHISTLING FACE-WINDMILL VANE HAND SYNDROME; Arthrogryposis, distal, type 2A (Freeman-Sheldon). Identifiers: Orphanet 2053, MedGen C0265224, MONDO:0008675, OMIM 193700.
Distal arthrogryposis type 2B1 (DA2B1). Also called: Arthrogryposis multiplex congenita distal type II with craniofacial abnormalities. Identifiers: Orphanet 1147, MedGen C5193014, MONDO:0020820, OMIM 601680.

Allele frequency attached by ClinVar (database versions not stated): 1000 Genomes Project 0.00020; 1000 Genomes Project 30x 0.00031; gnomAD 0.00054 and 0.00058; TOPMed 0.00054; gnomAD exomes 0.00060 and 0.00072; ExAC 0.00063; ESP Exome Variant Server 0.00085.
gnomAD v4.1: 1,155 of 1,612,638 alleles (0.072%); highest among the groups gnomAD compares: South Asian, 0.13%; 3 homozygotes.

Submissions (7):

Labcorp Genetics (formerly Invitae), Labcorp
Classification: Likely benign. Last evaluated: 2026-02-01. Review status: criteria provided, single submitter. Criteria: Invitae Variant Classification Sherloc (09022015). Collection method: clinical testing. Allele origin: germline.

Blueprint Genetics
Classification: Likely benign. Last evaluated: 2024-10-11. Review status: criteria provided, single submitter. Criteria: ACMG Guidelines, 2015. Collection method: clinical testing. Allele origin: germline.

CeGaT Center for Human Genetics Tuebingen
Classification: Likely benign. Last evaluated: 2024-01-01. Review status: criteria provided, single submitter. Criteria: CeGaT Center For Human Genetics Tuebingen Variant Classification Criteria Version 2. Collection method: clinical testing. Allele origin: germline. Affected: yes. Observed: 2 variant alleles.
Comment: MYH3: BP4

Illumina Laboratory Services, Illumina
Classification: Likely benign for Distal arthrogryposis type 2B1. Last evaluated: 2018-01-13. Review status: criteria provided, single submitter. Criteria: ICSL Variant Classification Criteria 13 December 2019. Collection method: clinical testing. Allele origin: germline.
Comment: This variant was observed in the ICSL laboratory as part of a predisposition screen in an ostensibly healthy population. It had not been previously curated by ICSL or reported in the Human Gene Mutation Database (HGMD: prior to June 1st, 2018), and was therefore a candidate for classification through an automated scoring system. Utilizing variant allele frequency, disease prevalence and penetrance estimates, and inheritance mode, an automated score was calculated to assess if this variant is too frequent to cause the disease. Based on the score and internal cut-off values, a variant classified as likely benign is not then subjected to further curation. The score for this variant resulted in a classification of likely benign for this disease.

Illumina Laboratory Services, Illumina
Classification: Benign for Freeman-Sheldon syndrome. Last evaluated: 2018-01-13. Review status: criteria provided, single submitter. Criteria: ICSL Variant Classification Criteria 13 December 2019. Collection method: clinical testing. Allele origin: germline.
Comment: This variant was observed in the ICSL laboratory as part of a predisposition screen in an ostensibly healthy population. It had not been previously curated by ICSL or reported in the Human Gene Mutation Database (HGMD: prior to June 1st, 2018), and was therefore a candidate for classification through an automated scoring system. Utilizing variant allele frequency, disease prevalence and penetrance estimates, and inheritance mode, an automated score was calculated to assess if this variant is too frequent to cause the disease. Based on the score and internal cut-off values, a variant classified as benign is not then subjected to further curation. The score for this variant resulted in a classification of benign for this disease.

Breakthrough Genomics
Classification: Likely benign. Review status: criteria provided, single submitter. Criteria: ACMG Guidelines, 2015. Collection method: not provided. Allele origin: germline. Inheritance: Autosomal recessive inheritance. Affected: yes.

PreventionGenetics, part of Exact Sciences
Classification: Likely benign. Review status: criteria provided, single submitter. Criteria: ACMG Guidelines, 2015. Collection method: clinical testing. Allele origin: germline.